The following is an entry in ClinVar:

NM_025193.4(HSD3B7):c.284G>A (p.Arg95Lys)

Gene: HSD3B7 (hydroxy-delta-5-steroid dehydrogenase, 3 beta- and steroid delta-isomerase 7; plus strand). Cytogenetic location: 16p11.2.
Variant type: single nucleotide variant.
Coding change: c.284G>A on transcript NM_025193.4 (MANE Select); coding-DNA position 284, G replaced by A.
Protein change: p.Arg95Lys; replaces arginine 95 with lysine.
Molecular consequence: missense variant.
Genome position (GRCh38, 1-based): chr16:30,986,166, G>A. VCF-style: chr16-30986166-G-A. GRCh37 (hg19) VCF-style: chr16-30997487-G-A.
Other names: c.284G>A, p.Arg95Lys (NM_001142777.2, NM_001142778.2); short protein forms R95K.
Identifiers: ClinVar variation 1441258 (VCV001441258.7), dbSNP rs756963815, ClinGen allele CA8017944.

ClinVar aggregate classification (germline): Uncertain significance (1 of 4 stars; one submission).

Allele frequency attached by ClinVar (database versions not stated): gnomAD exomes below 0.00001 and 0.00001; TOPMed below 0.00001; gnomAD 0.00001; ExAC 0.00003.
gnomAD v4.1: 4 of 1,613,968 alleles (0.00025%); highest among the groups gnomAD compares: East Asian, 0.0089%; no homozygotes.

Submission:

Labcorp Genetics (formerly Invitae), Labcorp
Classification: Uncertain significance. Last evaluated: 2021-07-06. Review status: criteria provided, single submitter. Criteria: Invitae Variant Classification Sherloc (09022015). Collection method: clinical testing. Allele origin: germline.
Comment: This sequence change replaces arginine with lysine at codon 95 of the HSD3B7 protein (p.Arg95Lys). The arginine residue is weakly conserved and there is a small physicochemical difference between arginine and lysine. In summary, the available evidence is currently insufficient to determine the role of this variant in disease. Therefore, it has been classified as a Variant of Uncertain Significance. Algorithms developed to predict the effect of missense changes on protein structure and function output the following: SIFT: "Tolerated"; PolyPhen-2: "Benign"; Align-GVGD: "Class C0". The lysine amino acid residue is found in multiple mammalian species, suggesting that this missense change does not adversely affect protein function. These predictions have not been confirmed by published functional studies and their clinical significance is uncertain. This variant has not been reported in the literature in individuals with HSD3B7-related conditions. This variant is present in population databases (rs756963815, ExAC 0.05%).